The following is an entry in ClinVar:

NM_002858.4(ABCD3):c.1241A>G (p.Gln414Arg)

Gene: ABCD3 (ATP binding cassette subfamily D member 3; plus strand). Cytogenetic location: 1p21.3.
Variant type: single nucleotide variant.
Coding change: c.1241A>G on transcript NM_002858.4 (MANE Select); coding-DNA position 1241, A replaced by G.
Protein change: p.Gln414Arg; replaces glutamine 414 with arginine.
Molecular consequence: missense variant.
Genome position (GRCh38, 1-based): chr1:94,489,808, A>G. VCF-style: chr1-94489808-A-G. GRCh37 (hg19) VCF-style: chr1-94955364-A-G.
Other names: short protein forms Q414R.
Identifiers: ClinVar variation 2754256 (VCV002754256.3), dbSNP rs2525329510, ClinGen allele CA341304206.

ClinVar aggregate classification (germline): Uncertain significance (1 of 4 stars; one submission).

Submission:

Labcorp Genetics (formerly Invitae), Labcorp
Classification: Uncertain significance. Last evaluated: 2023-11-27. Review status: criteria provided, single submitter. Criteria: Invitae Variant Classification Sherloc (09022015). Collection method: clinical testing. Allele origin: germline.
Comment: This sequence change replaces glutamine, which is neutral and polar, with arginine, which is basic and polar, at codon 414 of the ABCD3 protein (p.Gln414Arg). This variant is not present in population databases (gnomAD no frequency). This variant has not been reported in the literature in individuals affected with ABCD3-related conditions. An algorithm developed to predict the effect of missense changes on protein structure and function (PolyPhen-2) suggests that this variant is likely to be tolerated. In summary, the available evidence is currently insufficient to determine the role of this variant in disease. Therefore, it has been classified as a Variant of Uncertain Significance.